The following is an entry in ClinVar:

ClinVar aggregate classification (germline): Likely benign (1 of 4 stars; one submission).

Allele frequency attached by ClinVar (database versions not stated): 1000 Genomes Project 0.00080; 1000 Genomes Project 30x 0.00141; ESP Exome Variant Server 0.00261.
gnomAD v4.1: 4,921 of 1,614,190 alleles (0.3%); highest among the groups gnomAD compares: Admixed American, 0.42%; 19 homozygotes.

Submission:

CeGaT Center for Human Genetics Tuebingen
Classification: Likely benign. Last evaluated: 2023-03-01. Review status: criteria provided, single submitter. Criteria: CeGaT Center For Human Genetics Tuebingen Variant Classification Criteria Version 2. Collection method: clinical testing. Allele origin: germline. Affected: yes. Observed: 1 variant allele.
Comment: NIM1K: BP4, BP7, BS2

NM_153361.4(NIM1K):c.798T>C (p.Thr266=)

Gene: NIM1K (NIM1 serine/threonine protein kinase; plus strand). Cytogenetic location: 5p12.
Variant type: single nucleotide variant.
Coding change: c.798T>C on transcript NM_153361.4 (MANE Select); coding-DNA position 798, T replaced by C.
Protein change: p.Thr266=; no amino-acid change (threonine 266 retained).
Molecular consequence: synonymous variant. On other transcripts: non-coding transcript variant (1).
Genome position (GRCh38, 1-based): chr5:43,280,216, T>C. VCF-style: chr5-43280216-T-C. GRCh37 (hg19) VCF-style: chr5-43280318-T-C.
Identifiers: ClinVar variation 2655452 (VCV002655452.24), dbSNP rs61734290, ClinGen allele CA3255903.
Genomic context (GRCh38, chr5:43,280,216, plus strand): 5'-CTACATCGGCATTTACGTGGATATCTGGGCCTTGGGGGTGCTTTTGTACTTCATGGTGAC[T>C]GGCACCATGCCATTTCGGGCAGAAACCGTGGCCAAACTAAAAAAGAGCATCCTCGAGGGC-3'
Protein context (NP_699192.1, residues 256-276): ALGVLLYFMV[Thr266=]GTMPFRAETV